The following is an entry in ClinVar:

NM_000368.5(TSC1):c.863G>C (p.Arg288Pro)

Gene: TSC1 (TSC complex subunit 1; minus strand). Cytogenetic location: 9q34.13.
Variant type: single nucleotide variant.
Coding change: c.863G>C on transcript NM_000368.5 (MANE Select); coding-DNA position 863, G replaced by C.
Protein change: p.Arg288Pro; replaces arginine 288 with proline.
Molecular consequence: missense variant. On other transcripts: 5 prime UTR variant (5), non-coding transcript variant (5).
Genome position (GRCh38, 1-based): chr9:132,912,332, C>G on the plus strand (G>C on the coding strand, the complement: TSC1 is on the minus strand). VCF-style: chr9-132912332-C-G. GRCh37 (hg19) VCF-style: chr9-135787719-C-G.
Other names: c.863G>C, p.Arg288Pro (NM_001406604.1, NM_001406605.1, NM_001406606.1 and 16 more transcripts); c.710G>C, p.Arg237Pro (NM_001406610.1, NM_001406611.1, NM_001406612.1 and 2 more transcripts); c.500G>C, p.Arg167Pro (NM_001362177.2, NM_001406623.1, NM_001406624.1 and 10 more transcripts); c.-89G>C (NM_001406626.1, NM_001406627.1, NM_001406628.1); c.-231G>C (NM_001406629.1, NM_001406630.1); short protein forms R288P, R237P, R167P.
Identifiers: ClinVar variation 2770212 (VCV002770212.3), dbSNP rs1424366444, ClinGen allele CA375369188.

ClinVar aggregate classification (germline): Uncertain significance (1 of 4 stars; one submission).

Conditions:
Tuberous sclerosis 1 (TSC1). Identifiers: Orphanet 805, MedGen C1854465, MONDO:0008612, OMIM 191100.

Submission:

Labcorp Genetics (formerly Invitae), Labcorp
Classification: Uncertain significance for Tuberous sclerosis 1. Last evaluated: 2023-10-20. Review status: criteria provided, single submitter. Criteria: Invitae Variant Classification Sherloc (09022015). Collection method: clinical testing. Allele origin: germline.
Comment: This sequence change replaces arginine, which is basic and polar, with proline, which is neutral and non-polar, at codon 288 of the TSC1 protein (p.Arg288Pro). This variant is not present in population databases (gnomAD no frequency). This variant has not been reported in the literature in individuals affected with TSC1-related conditions. Advanced modeling of protein sequence and biophysical properties (such as structural, functional, and spatial information, amino acid conservation, physicochemical variation, residue mobility, and thermodynamic stability) performed at Invitae indicates that this missense variant is not expected to disrupt TSC1 protein function. In summary, the available evidence is currently insufficient to determine the role of this variant in disease. Therefore, it has been classified as a Variant of Uncertain Significance.